The following is an entry in ClinVar:

NM_001042492.3(NF1):c.7970+4_7970+7del

Gene: NF1 (neurofibromin 1; plus strand). Cytogenetic location: 17q11.2.
Variant type: Deletion.
Coding change: c.7970+4_7970+7del on transcript NM_001042492.3 (MANE Select); bases 4 to 7 of the intron after coding-DNA position 7970, 4 bases deleted (AGTA; older notation c.7970+4_7970+7delAGTA).
Molecular consequence: splice donor variant.
Genome position (GRCh38, 1-based): chr17:31,357,373-31,357,376, AGTA deleted; deleting any 4 consecutive bases within chr17:31,357,370-31,357,376 gives the same sequence; the c. name uses the placement nearest the transcript's 3' end. VCF-style (leftmost placement, unchanged base first): chr17-31357369-TGTAA-T. GRCh37 (hg19) VCF-style: chr17-29684387-TGTAA-T.
Other names: c.7907+4_7907+7delAGTA (NM_000267.3); c.7907+4_7907+7del (NM_000267.4).
Identifiers: ClinVar variation 420082 (VCV000420082.15), dbSNP rs1064794279, ClinGen allele CA16620378.

ClinVar aggregate classification (germline): Conflicting classifications of pathogenicity. Review status: criteria provided, conflicting classifications (1 of 4 stars). 7 submissions from 7 submitters: Pathogenic (2); Likely pathogenic (3); Uncertain significance (1). 1 of the submissions does not count toward it. Last evaluated 2026-07-21.

Conditions:
Neurofibromatosis, type 1 (NF1). Also called: Peripheral type neurofibromatosis; Neurofibromatosis, type I; VON RECKLINGHAUSEN DISEASE; NEUROFIBROMATOSIS, TYPE I, SOMATIC. Identifiers: Orphanet 636, MedGen C0027831, MONDO:0018975, OMIM 162200. Disease mechanism: loss of function.
Cardiovascular phenotype. Identifiers: MedGen CN230736.
Hereditary cancer-predisposing syndrome. Also called: Tumor predisposition; Neoplastic Syndromes, Hereditary; Hereditary Cancer Syndrome; Hereditary neoplastic syndrome. Identifiers: Orphanet 140162, MedGen C0027672, MeSH D009386, MONDO:0015356.

Submissions (7):

Department of Clinical Genetics, Copenhagen University Hospital, Rigshospitalet
Classification: Pathogenic for Neurofibromatosis, type 1. Last evaluated: 2026-07-21. Review status: criteria provided, single submitter. Criteria: ACMG Guidelines, 2015. Collection method: clinical testing. Allele origin: germline. Affected: yes.
Comment: The following ACMG criteria was used: PM2_su, PVS1, PP4_su, PS2_st

Labcorp Genetics (formerly Invitae), Labcorp
Classification: Pathogenic for Neurofibromatosis, type 1. Last evaluated: 2025-07-22. Review status: criteria provided, single submitter. Criteria: Invitae Variant Classification Sherloc (09022015). Collection method: clinical testing. Allele origin: germline.
Comment: This sequence change falls in intron 53 of the NF1 gene. It does not directly change the encoded amino acid sequence of the NF1 protein. It affects a nucleotide within the consensus splice site. This variant is not present in population databases (gnomAD no frequency). This variant has been observed in individual(s) with neurofibromatosis, type 1 (PMID: 25325900, 37751797; internal data). Invitae Evidence Modeling of clinical and family history, age, sex, and reported ancestry of multiple individuals with this NF1 variant has been performed. This variant is expected to be pathogenic with a positive predictive value of at least 99%. This is a validated machine learning model that incorporates the clinical features of 1,785,918 individuals referred to our laboratory for NF1 testing. This variant is also known as c.7970+1_7970+4delGTAA. ClinVar contains an entry for this variant (Variation ID: 420082). Variants that disrupt the consensus splice site are a relatively common cause of aberrant splicing (PMID: 17576681, 9536098). Algorithms developed to predict the effect of sequence changes on RNA splicing suggest that this variant may disrupt the consensus splice site. For these reasons, this variant has been classified as Pathogenic.

Ambry Genetics
Classification: Likely pathogenic for Cardiovascular phenotype; Hereditary cancer-predisposing syndrome. Last evaluated: 2023-04-28. Review status: criteria provided, single submitter. Criteria: Ambry Variant Classification Scheme 2023. Collection method: clinical testing. Allele origin: germline.
Comment: The c.7907+4_7907+7delAGTA intronic variant, located in intron 53 of the NF1 gene, results from a deletion of 4 nucleotides within intron 53 of the NF1 gene. This alteration has been reported in an individual with a clinical diagnosis of neurofibromatosis type 1 (Maruoka R et al. Genet Test Mol Biomarkers, 2014 Nov;18:722-35). This alteration is also known as c.7970+1_7970+4delGTAA in the literature. This nucleotide position is highly conserved in available vertebrate species. In silico splice site analysis predicts that this alteration will weaken the native splice donor site. RNA studies have demonstrated that this alteration results in abnormal splicing in the set of samples tested (Ambry internal data). Based on the majority of available evidence to date, this variant is likely to be pathogenic.

Medical Genetics, University of Parma
Classification: Likely pathogenic for Neurofibromatosis, type 1. Last evaluated: 2022-08-17. Review status: criteria provided, single submitter. Criteria: ACMG Guidelines, 2015. Collection method: clinical testing. Allele origin: germline. Inheritance: Autosomal dominant inheritance. Affected: yes.

GeneDx
Classification: Uncertain significance. Last evaluated: 2016-12-23. Review status: criteria provided, single submitter. Criteria: GeneDx Variant Classification (06012015). Collection method: clinical testing. Allele origin: germline. Affected: yes.
Comment: This variant is denoted NF1 c.7907+4_7907+7delAGTA or IVS53+4_IVS53+7delAGTA and consists of a deletion of four nucleotides at the +4 position of intron 53 of the NF1 gene. The surrounding sequence is Tgta[delagta]tctc, where the capital letters are exonic and the lowercase are intronic. In silico models predict that this variant causes abnormal gene splicing, leading to either an abnormal message that is subject to nonsense-mediated mRNA decay or to an abnormal protein product; however, in the absence of RNA or functional studies, the actual effect of this variant is unknown. This variant, also known as NF1 c.7970+1_+4delGTAA using alternate nomenclature, was observed in an individual with neurofibromatosis type 1 (Maruoka 2014). NF1 c.7907+4_7907+7delAGTA was not observed in approximately 6,500 individuals of European and African American ancestry in the NHLBI Exome Sequencing Project, suggesting it is not a common benign variant in these populations. The adenine (A) nucleotide that is altered is conserved through mammals. Based on currently available information, it is unclear whether NF1 c.7907+4_7907+7delAGTA is pathogenic or benign. We consider it to be a variant of uncertain significance.

Juno Genomics, Hangzhou Juno Genomics, Inc
Classification: Likely pathogenic for Neurofibromatosis, type 1. Review status: criteria provided, single submitter. Criteria: ACMG Guidelines, 2015. Collection method: clinical testing. Allele origin: germline. Affected: yes.
Comment: Absent from controls (or at extremely low frequency if recessive) in Genome Aggregation Database, Exome Sequencing Project, 1000 Genomes Project, or Exome Aggregation Consortium.;Well-established in vitro or in vivo functional studies supportive of a damaging effect on the gene or gene product.;The prevalence of the variant in affected individuals is significantly increased compared to the prevalence in controls.;Patient's phenotype or family history is highly specific for a disease with a single genetic etiology.;Assumed de novo, but without confirmation of paternity and maternity.

Genome-Nilou Lab
Classification: Uncertain significance for Neurofibromatosis, type 1. Last evaluated: 2022-03-15. Review status: flagged submission. Criteria: ACMG Guidelines, 2015. Collection method: clinical testing. Allele origin: germline. Affected: no. Not counted in ClinVar's aggregate classification.
ClinVar note: Reason: Outlier claim with insufficient supporting evidence

Literature cited by the submitters: PubMed 25325900 (cited by Labcorp Genetics (formerly Invitae), Labcorp); PubMed 37751797 (cited by Labcorp Genetics (formerly Invitae), Labcorp); PubMed 17576681 (cited by Labcorp Genetics (formerly Invitae), Labcorp); PubMed 9536098 (cited by Labcorp Genetics (formerly Invitae), Labcorp).